The following is an entry in ClinVar:

NM_015331.3(NCSTN):c.2056G>A (p.Val686Ile)

Gene: NCSTN (nicastrin; plus strand). Cytogenetic location: 1q23.2.
Variant type: single nucleotide variant.
Coding change: c.2056G>A on transcript NM_015331.3 (MANE Select); coding-DNA position 2056, G replaced by A.
Protein change: p.Val686Ile; replaces valine 686 with isoleucine.
Molecular consequence: missense variant.
Genome position (GRCh38, 1-based): chr1:160,358,197, G>A. VCF-style: chr1-160358197-G-A. GRCh37 (hg19) VCF-style: chr1-160327987-G-A.
Other names: c.1996G>A, p.Val666Ile (NM_001290184.2); c.1642G>A, p.Val548Ile (NM_001290186.2); c.1843G>A, p.Val615Ile (NM_001349729.2); short protein forms V615I, V666I, V548I, V686I.
Identifiers: ClinVar variation 1474235 (VCV001474235.8), dbSNP rs753319981, ClinGen allele CA1199171.

ClinVar aggregate classification (germline): Uncertain significance (1 of 4 stars; one submission).

Allele frequency attached by ClinVar (database versions not stated): gnomAD 0.00001; TOPMed 0.00001; ExAC 0.00002; gnomAD exomes 0.00002.
gnomAD v4.1: 24 of 1,613,872 alleles (0.0015%); highest among the groups gnomAD compares: East Asian, 0.02%; no homozygotes.

Submission:

Labcorp Genetics (formerly Invitae), Labcorp
Classification: Uncertain significance. Last evaluated: 2023-11-16. Review status: criteria provided, single submitter. Criteria: Invitae Variant Classification Sherloc (09022015). Collection method: clinical testing. Allele origin: germline.
Comment: This sequence change replaces valine, which is neutral and non-polar, with isoleucine, which is neutral and non-polar, at codon 686 of the NCSTN protein (p.Val686Ile). This variant is present in population databases (rs753319981, gnomAD 0.01%). This variant has not been reported in the literature in individuals affected with NCSTN-related conditions. ClinVar contains an entry for this variant (Variation ID: 1474235). Advanced modeling of protein sequence and biophysical properties (such as structural, functional, and spatial information, amino acid conservation, physicochemical variation, residue mobility, and thermodynamic stability) performed at Invitae indicates that this missense variant is not expected to disrupt NCSTN protein function with a negative predictive value of 80%. In summary, the available evidence is currently insufficient to determine the role of this variant in disease. Therefore, it has been classified as a Variant of Uncertain Significance.